The following is an entry in ClinVar:

ClinVar aggregate classification (germline): Uncertain significance (1 of 4 stars; one submission).

Allele frequency attached by ClinVar (database versions not stated): gnomAD exomes 0.00001; ExAC 0.00003.
gnomAD v4.1: 13 of 1,613,264 alleles (0.00081%); highest among the groups gnomAD compares: South Asian, 0.012%; no homozygotes.

Submission:

Labcorp Genetics (formerly Invitae), Labcorp
Classification: Uncertain significance. Last evaluated: 2023-02-22. Review status: criteria provided, single submitter. Criteria: Invitae Variant Classification Sherloc (09022015). Collection method: clinical testing. Allele origin: germline.
Comment: In summary, the available evidence is currently insufficient to determine the role of this variant in disease. Therefore, it has been classified as a Variant of Uncertain Significance. Advanced modeling of protein sequence and biophysical properties (such as structural, functional, and spatial information, amino acid conservation, physicochemical variation, residue mobility, and thermodynamic stability) performed at Invitae indicates that this missense variant is expected to disrupt INTU protein function. This variant has not been reported in the literature in individuals affected with INTU-related conditions. This variant is present in population databases (rs755707760, gnomAD 0.02%). This sequence change replaces leucine, which is neutral and non-polar, with valine, which is neutral and non-polar, at codon 314 of the INTU protein (p.Leu314Val).

NM_015693.4(INTU):c.940C>G (p.Leu314Val)

Gene: INTU (inturned planar cell polarity protein; plus strand). Cytogenetic location: 4q28.1.
Variant type: single nucleotide variant.
Coding change: c.940C>G on transcript NM_015693.4 (MANE Select); coding-DNA position 940, C replaced by G.
Protein change: p.Leu314Val; replaces leucine 314 with valine.
Molecular consequence: missense variant.
Genome position (GRCh38, 1-based): chr4:127,663,552, C>G. VCF-style: chr4-127663552-C-G. GRCh37 (hg19) VCF-style: chr4-128584707-C-G.
Other names: short protein forms L314V.
Identifiers: ClinVar variation 2820000 (VCV002820000.3), dbSNP rs755707760, ClinGen allele CA3074916.